The following is an entry in ClinVar:

ClinVar aggregate classification (germline): Uncertain significance (1 of 4 stars; one submission).

Conditions:
Inborn genetic diseases. Identifiers: MedGen C0950123, MeSH D030342.

Allele frequency attached by ClinVar (database versions not stated): ExAC 0.00001; gnomAD 0.00001; TOPMed 0.00002.
gnomAD v4.1: 2 of 1,610,088 alleles (0.00012%); highest among the groups gnomAD compares: African/African-American, 0.0027%; no homozygotes.

Submission:

Ambry Genetics
Classification: Uncertain significance for Inborn genetic diseases. Last evaluated: 2024-03-01. Review status: criteria provided, single submitter. Criteria: Ambry Variant Classification Scheme 2023. Collection method: clinical testing. Allele origin: germline.
Comment: The p.S425T variant (also known as c.1273T>A), located in coding exon 10 of the ACD gene, results from a T to A substitution at nucleotide position 1273. The serine at codon 425 is replaced by threonine, an amino acid with similar properties. This amino acid position is conserved. In addition, this alteration is predicted to be tolerated by in silico analysis. Since supporting evidence is limited at this time, the clinical significance of this alteration remains unclear.

NM_001082486.2(ACD):c.1015T>A (p.Ser339Thr)

Gene: ACD (ACD shelterin complex subunit and telomerase recruitment factor; minus strand). Cytogenetic location: 16q22.1.
Variant type: single nucleotide variant.
Coding change: c.1015T>A on transcript NM_001082486.2 (MANE Select); coding-DNA position 1015, T replaced by A.
Protein change: p.Ser339Thr; replaces serine 339 with threonine.
Molecular consequence: missense variant.
Genome position (GRCh38, 1-based): chr16:67,658,177, A>T on the plus strand (T>A on the coding strand, the complement: ACD is on the minus strand). VCF-style: chr16-67658177-A-T. GRCh37 (hg19) VCF-style: chr16-67692080-A-T.
Other names: c.928T>A, p.Ser310Thr (NM_001410884.1); c.1006T>A, p.Ser336Thr (NM_022914.3); short protein forms S336T, S310T, S339T.
Identifiers: ClinVar variation 1766102 (VCV001766102.2), dbSNP rs775917290, ClinGen allele CA8114461.
Genomic context (GRCh38, chr16:67,658,177, plus strand): 5'-GGTGTGGACTGGGGACATGGCTACGGGGTGAGAGACTGGGAGTGCAGCTCTGGAGTGGGG[A>T]GCTGGGGGTACGGCTGGCGTGTGGGGACCTGGGGGTCAGGGTGGCAGGGGCTGAGCAGAT-3'
Protein context (NP_001075955.2, residues 329-349): RSPHASRTPS[Ser339Thr]PLQSCTPSLS